The following is an entry in ClinVar:

ClinVar aggregate classification (germline): Uncertain significance (1 of 4 stars; one submission).

Allele frequency attached by ClinVar (database versions not stated): ExAC 0.00001.

Submission:

Labcorp Genetics (formerly Invitae), Labcorp
Classification: Uncertain significance. Last evaluated: 2024-04-25. Review status: criteria provided, single submitter. Criteria: Invitae Variant Classification Sherloc (09022015). Collection method: clinical testing. Allele origin: germline.
Comment: This sequence change replaces alanine, which is neutral and non-polar, with serine, which is neutral and polar, at codon 14 of the HEPACAM protein (p.Ala14Ser). This variant is present in population databases (rs778673689, gnomAD 0.0009%). This variant has not been reported in the literature in individuals affected with HEPACAM-related conditions. Advanced modeling of protein sequence and biophysical properties (such as structural, functional, and spatial information, amino acid conservation, physicochemical variation, residue mobility, and thermodynamic stability) performed at Invitae indicates that this missense variant is not expected to disrupt HEPACAM protein function with a negative predictive value of 80%. In summary, the available evidence is currently insufficient to determine the role of this variant in disease. Therefore, it has been classified as a Variant of Uncertain Significance.

NM_152722.5(HEPACAM):c.40G>T (p.Ala14Ser)

Gene: HEPACAM (hepatic and glial cell adhesion molecule; minus strand). Cytogenetic location: 11q24.2.
Variant type: single nucleotide variant.
Coding change: c.40G>T on transcript NM_152722.5 (MANE Select); coding-DNA position 40, G replaced by T.
Protein change: p.Ala14Ser; replaces alanine 14 with serine.
Molecular consequence: missense variant.
Genome position (GRCh38, 1-based): chr11:124,935,967, C>A on the plus strand (G>T on the coding strand, the complement: HEPACAM is on the minus strand). VCF-style: chr11-124935967-C-A. GRCh37 (hg19) VCF-style: chr11-124805863-C-A.
Other names: c.40G>T, p.Ala14Ser (NM_001411043.1); short protein forms A14S.
Identifiers: ClinVar variation 2762866 (VCV002762866.3), dbSNP rs778673689, ClinGen allele CA6345849.